The following is an entry in ClinVar:

NM_001267550.2(TTN):c.1662+6T>A

Gene: TTN (titin; minus strand). Cytogenetic location: 2q31.2.
Variant type: single nucleotide variant.
Coding change: c.1662+6T>A on transcript NM_001267550.2 (MANE Select); 6 bases into the intron after coding-DNA position 1662, T replaced by A.
Molecular consequence: intron variant.
Genome position (GRCh38, 1-based): chr2:178,792,066, A>T on the plus strand (T>A on the coding strand, the complement: TTN is on the minus strand). VCF-style: chr2-178792066-A-T. GRCh37 (hg19) VCF-style: chr2-179656793-A-T.
Other names: c.1662+6T>A (NM_003319.4, NM_133437.4, NM_133432.3 and 3 more transcripts).
Identifiers: ClinVar variation 380305 (VCV000380305.1), dbSNP rs1057520818, ClinGen allele CA16604058.

ClinVar aggregate classification (germline): Likely benign (1 of 4 stars; one submission).

Submission:

GeneDx
Classification: Likely benign. Last evaluated: 2015-07-23. Review status: criteria provided, single submitter. Criteria: GeneDx Variant Classification (06012015). Collection method: clinical testing. Allele origin: germline. Affected: yes.
Comment: This variant is considered likely benign or benign based on one or more of the following criteria: it is a conservative change, it occurs at a poorly conserved position in the protein, it is predicted to be benign by multiple in silico algorithms, and/or has population frequency not consistent with disease.